The following is an entry in ClinVar:

ClinVar aggregate classification (germline): Uncertain significance (1 of 4 stars; one submission).

Conditions:
Inborn genetic diseases. Identifiers: MedGen C0950123, MeSH D030342.

gnomAD v4.1: 3 of 1,612,514 alleles (0.00019%); highest among the groups gnomAD compares: South Asian, 0.0011%; no homozygotes.

Submission:

Ambry Genetics
Classification: Uncertain significance for Inborn genetic diseases. Last evaluated: 2026-06-09. Review status: criteria provided, single submitter. Criteria: Ambry Variant Classification Scheme 2023. Collection method: clinical testing. Allele origin: germline.
Comment: The p.T455I variant (also known as c.1364C>T), located in coding exon 5 of the GATA2 gene, results from a C to T substitution at nucleotide position 1364. The threonine at codon 455 is replaced by isoleucine, an amino acid with similar properties. This amino acid position is conserved. In addition, this alteration is predicted to be deleterious by in silico analysis. Based on the available evidence, the clinical significance of this variant remains unclear.

NM_032638.5(GATA2):c.1364C>T (p.Thr455Ile)

Gene: GATA2 (GATA binding protein 2; minus strand). Cytogenetic location: 3q21.3.
Variant type: single nucleotide variant.
Coding change: c.1364C>T on transcript NM_032638.5 (MANE Select); coding-DNA position 1364, C replaced by T.
Protein change: p.Thr455Ile; replaces threonine 455 with isoleucine.
Molecular consequence: missense variant.
Genome position (GRCh38, 1-based): chr3:128,481,098, G>A on the plus strand (C>T on the coding strand, the complement: GATA2 is on the minus strand). VCF-style: chr3-128481098-G-A. GRCh37 (hg19) VCF-style: chr3-128199941-G-A.
Other names: c.1364C>T, p.Thr455Ile (NM_001145661.2); c.1322C>T, p.Thr441Ile (NM_001145662.1); short protein forms T441I, T455I.
Identifiers: ClinVar variation 4857881 (VCV004857881.1).